The following is an entry in ClinVar:

NM_001042492.3(NF1):c.6951G>C (p.Trp2317Cys)

Gene: NF1 (neurofibromin 1; plus strand). Cytogenetic location: 17q11.2.
Variant type: single nucleotide variant.
Coding change: c.6951G>C on transcript NM_001042492.3 (MANE Select); coding-DNA position 6951, G replaced by C.
Protein change: p.Trp2317Cys; replaces tryptophan 2317 with cysteine.
Molecular consequence: missense variant.
Genome position (GRCh38, 1-based): chr17:31,340,534, G>C. VCF-style: chr17-31340534-G-C. GRCh37 (hg19) VCF-style: chr17-29667552-G-C.
Other names: c.6888G>C, p.Trp2296Cys (NM_000267.4); short protein forms W2317C, W2296C.
Identifiers: ClinVar variation 1035609 (VCV001035609.5), dbSNP rs2069790642, ClinGen allele CA399014904.
Genomic context (GRCh38, chr17:31,340,534, plus strand): 5'-TTACTAGCCTCAAACATATCTTCTTTGCCAGGACTCGCCTCTGCACAAAGCCCTCTTTTG[G>C]GTAGCTGTGGCTGTGCTGCAGCTTGATGAGGTCAACTTGTATTCAGCAGGTACCGCACTT-3'
Protein context (NP_001035957.1, residues 2307-2327): KDSPLHKALF[Trp2317Cys]VAVAVLQLDE

ClinVar aggregate classification (germline): Uncertain significance (1 of 4 stars; one submission).

Conditions:
Neurofibromatosis, type 1 (NF1). Also called: NEUROFIBROMATOSIS, TYPE I, SOMATIC; VON RECKLINGHAUSEN DISEASE; Peripheral type neurofibromatosis; Neurofibromatosis, type I. Identifiers: Orphanet 636, MedGen C0027831, MONDO:0018975, OMIM 162200. Disease mechanism: loss of function.

Submission:

Labcorp Genetics (formerly Invitae), Labcorp
Classification: Uncertain significance for Neurofibromatosis, type 1. Last evaluated: 2021-04-23. Review status: criteria provided, single submitter. Criteria: Invitae Variant Classification Sherloc (09022015). Collection method: clinical testing. Allele origin: germline.
Comment: In summary, the available evidence is currently insufficient to determine the role of this variant in disease. Therefore, it has been classified as a Variant of Uncertain Significance. Algorithms developed to predict the effect of missense changes on protein structure and function are either unavailable or do not agree on the potential impact of this missense change (SIFT: "Deleterious"; PolyPhen-2: "Probably Damaging"; Align-GVGD: "Class C0"). This variant has not been reported in the literature in individuals with NF1-related conditions. This variant is not present in population databases (ExAC no frequency). This sequence change replaces tryptophan with cysteine at codon 2296 of the NF1 protein (p.Trp2296Cys). The tryptophan residue is highly conserved and there is a large physicochemical difference between tryptophan and cysteine.